The following is an entry in ClinVar:

ClinVar aggregate classification (germline): Uncertain significance (1 of 4 stars; one submission).

Conditions:
Adams-Oliver syndrome 5 (AOS5). Identifiers: Orphanet 974, MedGen C4014970, MONDO:0014459, OMIM 616028.

Submission:

Labcorp Genetics (formerly Invitae), Labcorp
Classification: Uncertain significance for Adams-Oliver syndrome 5. Last evaluated: 2022-09-27. Review status: criteria provided, single submitter. Criteria: Invitae Variant Classification Sherloc (09022015). Collection method: clinical testing. Allele origin: germline.
Comment: In summary, the available evidence is currently insufficient to determine the role of this variant in disease. Therefore, it has been classified as a Variant of Uncertain Significance. Advanced modeling of protein sequence and biophysical properties (such as structural, functional, and spatial information, amino acid conservation, physicochemical variation, residue mobility, and thermodynamic stability) performed at Invitae indicates that this missense variant is not expected to disrupt NOTCH1 protein function. ClinVar contains an entry for this variant (Variation ID: 998510). This variant has not been reported in the literature in individuals affected with NOTCH1-related conditions. This variant is not present in population databases (gnomAD no frequency). This sequence change replaces serine, which is neutral and polar, with asparagine, which is neutral and polar, at codon 1588 of the NOTCH1 protein (p.Ser1588Asn).

NM_017617.5(NOTCH1):c.4763G>A (p.Ser1588Asn)

Gene: NOTCH1 (notch receptor 1; minus strand). Cytogenetic location: 9q34.3.
Variant type: single nucleotide variant.
Coding change: c.4763G>A on transcript NM_017617.5 (MANE Select); coding-DNA position 4763, G replaced by A.
Protein change: p.Ser1588Asn; replaces serine 1588 with asparagine.
Molecular consequence: missense variant.
Genome position (GRCh38, 1-based): chr9:136,504,928, C>T on the plus strand (G>A on the coding strand, the complement: NOTCH1 is on the minus strand). VCF-style: chr9-136504928-C-T. GRCh37 (hg19) VCF-style: chr9-139399380-C-T.
Other names: short protein forms S1588N.
Identifiers: ClinVar variation 998510 (VCV000998510.8), dbSNP rs1843055486, ClinGen allele CA375645131.